The following is an entry in ClinVar:

NM_017617.5(NOTCH1):c.1676C>T (p.Thr559Met)

Gene: NOTCH1 (notch receptor 1; minus strand). Cytogenetic location: 9q34.3.
Variant type: single nucleotide variant.
Coding change: c.1676C>T on transcript NM_017617.5 (MANE Select); coding-DNA position 1676, C replaced by T.
Protein change: p.Thr559Met; replaces threonine 559 with methionine.
Molecular consequence: missense variant.
Genome position (GRCh38, 1-based): chr9:136,515,710, G>A on the plus strand (C>T on the coding strand, the complement: NOTCH1 is on the minus strand). VCF-style: chr9-136515710-G-A. GRCh37 (hg19) VCF-style: chr9-139410162-G-A.
Other names: short protein forms T559M.
Identifiers: ClinVar variation 858907 (VCV000858907.14), dbSNP rs376055493, ClinGen allele CA201587105.

ClinVar aggregate classification (germline): Conflicting classifications of pathogenicity. Review status: criteria provided, conflicting classifications (1 of 4 stars). 5 submissions from 4 submitters: Uncertain significance (4); Likely benign (1). Last evaluated 2025-03-25.

Conditions:
Aortic valve disease 1 (AOVD1). Identifiers: MedGen C3887892, MONDO:0024523, OMIM 109730.
Adams-Oliver syndrome 5 (AOS5). Identifiers: Orphanet 974, MedGen C4014970, MONDO:0014459, OMIM 616028.
Familial thoracic aortic aneurysm and aortic dissection (TAAD). Also called: Thoracic aortic aneurysms and dissections. Identifiers: Orphanet 91387, MedGen C4707243, MONDO:0019625.

Allele frequency attached by ClinVar (database versions not stated): gnomAD 0.00001 and 0.00002; gnomAD exomes 0.00001; TOPMed 0.00002; ESP Exome Variant Server 0.00008.
gnomAD v4.1: 32 of 1,539,034 alleles (0.0021%); highest among the groups gnomAD compares: Middle Eastern, 0.023%; no homozygotes.

Submissions (5):

Ambry Genetics
Classification: Uncertain significance for Familial thoracic aortic aneurysm and aortic dissection. Last evaluated: 2025-03-25. Review status: criteria provided, single submitter. Criteria: Ambry Variant Classification Scheme 2023. Collection method: clinical testing. Allele origin: germline.
Comment: The p.T559M variant (also known as c.1676C>T), located in coding exon 11 of the NOTCH1 gene, results from a C to T substitution at nucleotide position 1676. The threonine at codon 559 is replaced by methionine, an amino acid with similar properties. This amino acid position is not well conserved in available vertebrate species. In addition, the in silico prediction for this alteration is inconclusive. Based on the available evidence, the clinical significance of this variant remains unclear.

Labcorp Genetics (formerly Invitae), Labcorp
Classification: Likely benign for Adams-Oliver syndrome 5. Last evaluated: 2024-12-23. Review status: criteria provided, single submitter. Criteria: Invitae Variant Classification Sherloc (09022015). Collection method: clinical testing. Allele origin: germline.

Genome-Nilou Lab
Classification: Uncertain significance for Adams-Oliver syndrome 5. Last evaluated: 2022-03-15. Review status: criteria provided, single submitter. Criteria: ACMG Guidelines, 2015. Collection method: clinical testing. Allele origin: germline. Affected: no.

Genome-Nilou Lab
Classification: Uncertain significance for Aortic valve disease 1. Last evaluated: 2022-03-15. Review status: criteria provided, single submitter. Criteria: ACMG Guidelines, 2015. Collection method: clinical testing. Allele origin: germline. Affected: no.

GeneDx
Classification: Uncertain significance. Last evaluated: 2019-10-03. Review status: criteria provided, single submitter. Criteria: GeneDx Variant Classification Process June 2021. Collection method: clinical testing. Allele origin: germline. Affected: yes.
Comment: Has not been previously published as pathogenic or benign to our knowledge; Not observed at a significant frequency in large population cohorts (Lek et al., 2016); In silico analysis, which includes protein predictors and evolutionary conservation, supports a deleterious effect